The following is an entry in ClinVar:

ClinVar aggregate classification (germline): Benign. Review status: criteria provided, multiple submitters, no conflicts (2 of 4 stars). 3 submissions from 3 submitters: Benign (3). Last evaluated 2018-06-16.

Conditions:
Progressive external ophthalmoplegia with mitochondrial DNA deletions, autosomal dominant 2. Also called: PROGRESSIVE EXTERNAL OPHTHALMOPLEGIA, AUTOSOMAL DOMINANT 2. Identifiers: MedGen C1836460, MONDO:0012238, OMIM 609283.

Allele frequency attached by ClinVar (database versions not stated): TOPMed 0.02110; 1000 Genomes Project 0.03115; 1000 Genomes Project 30x 0.03154.
gnomAD v4.1: 5,998 of 749,178 alleles (0.8%); highest among the groups gnomAD compares: African/African-American, 6.4%; 167 homozygotes.

Submissions (8):

GeneDx
Classification: Benign. Last evaluated: 2018-06-16. Review status: criteria provided, single submitter. Criteria: GeneDx Variant Classification (06012015). Collection method: clinical testing. Allele origin: germline. Affected: yes.
Comment: This variant is considered likely benign or benign based on one or more of the following criteria: it is a conservative change, it occurs at a poorly conserved position in the protein, it is predicted to be benign by multiple in silico algorithms, and/or has population frequency not consistent with disease.

Illumina Laboratory Services, Illumina
Classification: Benign for Progressive external ophthalmoplegia with mitochondrial DNA deletions, autosomal dominant 2. Last evaluated: 2018-01-13. Review status: criteria provided, single submitter. Criteria: ICSL Variant Classification Criteria 13 December 2019. Collection method: clinical testing. Allele origin: germline.
Comment: This variant was observed in the ICSL laboratory as part of a predisposition screen in an ostensibly healthy population. It had not been previously curated by ICSL or reported in the Human Gene Mutation Database (HGMD: prior to June 1st, 2018), and was therefore a candidate for classification through an automated scoring system. Utilizing variant allele frequency, disease prevalence and penetrance estimates, and inheritance mode, an automated score was calculated to assess if this variant is too frequent to cause the disease. Based on the score and internal cut-off values, a variant classified as benign is not then subjected to further curation. The score for this variant resulted in a classification of benign for this disease.

Breakthrough Genomics
Classification: Benign. Review status: criteria provided, single submitter. Criteria: ACMG Guidelines, 2015. Collection method: not provided. Allele origin: germline. Inheritance: Autosomal recessive inheritance. Affected: yes.

Dr. Peter K. Rogan Lab, Western University
No classification provided (evidence only). Condition: Familial cancer of breast. Review status: no classification provided. Collection method: in vitro. Allele origin: not applicable. Functional consequence: retained intron. Not counted in ClinVar's aggregate classification.

Dr. Peter K. Rogan Lab, Western University
No classification provided (evidence only). Condition: Familial cancer of breast. Review status: no classification provided. Collection method: in vitro. Allele origin: not applicable. Functional consequence: retained intron. Not counted in ClinVar's aggregate classification.

Dr. Peter K. Rogan Lab, Western University
No classification provided (evidence only). Condition: Uterine corpus endometrial carcinoma. Review status: no classification provided. Collection method: in vitro. Allele origin: not applicable. Functional consequence: retained intron. Not counted in ClinVar's aggregate classification.

Dr. Peter K. Rogan Lab, Western University
No classification provided (evidence only). Condition: Uterine corpus endometrial carcinoma. Review status: no classification provided. Collection method: in vitro. Allele origin: not applicable. Functional consequence: retained intron. Not counted in ClinVar's aggregate classification.

Dr. Peter K. Rogan Lab, Western University
No classification provided (evidence only). Condition: Cervical cancer. Review status: no classification provided. Collection method: in vitro. Allele origin: not applicable. Functional consequence: retained intron. Not counted in ClinVar's aggregate classification.

NM_001151.4(SLC25A4):c.-84C>A

Genes: SLC25A4 (solute carrier family 25 member 4; plus strand), LOC129993501 (ATAC-STARR-seq lymphoblastoid silent region 15847; plus strand). Cytogenetic location: 4q35.1.
Variant type: single nucleotide variant.
Coding change: c.-84C>A on transcript NM_001151.4 (MANE Select); 84 bases upstream of the start codon, C replaced by A.
Molecular consequence: 5 prime UTR variant.
Genome position (GRCh38, 1-based): chr4:185,143,289, C>A. VCF-style: chr4-185143289-C-A. GRCh37 (hg19) VCF-style: chr4-186064443-C-A.
Other names: NC_000004.11:g.186064443C>A.
Identifiers: ClinVar variation 348243 (VCV000348243.8), dbSNP rs183128370, ClinGen allele CA10618349.
Genomic context (GRCh38, chr4:185,143,289, plus strand): 5'-CGGCGGGGATATAAGGGGGAGCTGCGGGCCAGGCGGCGGCCCCCTAGCGTCGCGCAGGGT[C>A]GGGGACTGCGCGGCGGTGCCAGGCCGGGCGTGGGCGAGAGCACGAACGGGCTGCCTGCGG-3'